The following is an entry in ClinVar:

ClinVar aggregate classification (germline): Benign (1 of 4 stars; one submission).

Allele frequency attached by ClinVar (database versions not stated): 1000 Genomes Project 30x 0.71408; 1000 Genomes Project 0.71705; gnomAD exomes 0.64107; gnomAD 0.66190; TOPMed 0.67000.
gnomAD v4.1: 844,133 of 1,310,466 alleles (64%); highest among the groups gnomAD compares: South Asian, 79%; 274,794 homozygotes.

Submission:

Unidad de Genómica Garrahan, Hospital de Pediatría Garrahan
Classification: Benign. Last evaluated: 2024-01-24. Review status: criteria provided, single submitter. Criteria: ACMG Guidelines, 2015. Collection method: clinical testing. Allele origin: germline. Affected: no. Observed: 75 variant alleles.
Comment: This variant is classified as Benign based on local population frequency. This variant was detected in 85% of patients studied by a panel of primary immunodeficiencies. Number of patients: 75. Only high quality variants are reported.

NM_021258.4(IL22RA1):c.*81C>T

Genes: IL22RA1 (interleukin 22 receptor subunit alpha 1; minus strand), LOC122056794 (Sharpr-MPRA regulatory region 13639; plus strand). Cytogenetic location: 1p36.11.
Variant type: single nucleotide variant.
Coding change: c.*81C>T on transcript NM_021258.4 (MANE Select); 81 bases downstream of the stop codon, C replaced by T.
Molecular consequence: 3 prime UTR variant.
Genome position (GRCh38, 1-based): chr1:24,120,724, G>A on the plus strand (C>T on the coding strand, the complement: IL22RA1 is on the minus strand). VCF-style: chr1-24120724-G-A. GRCh37 (hg19) VCF-style: chr1-24447214-G-A.
Identifiers: ClinVar variation 2688539 (VCV002688539.2), dbSNP rs3795300, ClinGen allele CA10664927.